The following is an entry in ClinVar:

ClinVar aggregate classification (germline): Benign/Likely benign. Review status: criteria provided, multiple submitters, no conflicts (2 of 4 stars). 3 submissions from 3 submitters: Benign (1); Likely benign (1). 1 of the submissions does not count toward it. Last evaluated 2026-01-27.

Conditions:
CAPN5-related disorder. Also called: CAPN5-related condition.

Allele frequency attached by ClinVar (database versions not stated): ESP Exome Variant Server 0.00008; TOPMed 0.00070; ExAC 0.00124; gnomAD exomes 0.00132; 1000 Genomes Project 0.00319; 1000 Genomes Project 30x 0.00375.
gnomAD v4.1: 645 of 1,613,494 alleles (0.04%); highest among the groups gnomAD compares: East Asian, 1.2%; 6 homozygotes.

Submissions (3):

Labcorp Genetics (formerly Invitae), Labcorp
Classification: Benign. Last evaluated: 2026-01-27. Review status: criteria provided, single submitter. Criteria: Invitae Variant Classification Sherloc (09022015). Collection method: clinical testing. Allele origin: germline.

Blueprint Genetics
Classification: Likely benign. Last evaluated: 2024-11-08. Review status: criteria provided, single submitter. Criteria: ACMG Guidelines, 2015. Collection method: clinical testing. Allele origin: germline.

PreventionGenetics, part of Exact Sciences
Classification: Benign for CAPN5-related condition. Last evaluated: 2020-12-07. Review status: no assertion criteria provided. Collection method: clinical testing. Allele origin: germline. Not counted in ClinVar's aggregate classification.
Comment: This variant is classified as benign based on ACMG/AMP sequence variant interpretation guidelines (Richards et al. 2015 PMID: 25741868, with internal and published modifications).

NM_004055.5(CAPN5):c.145G>A (p.Val49Ile)

Gene: CAPN5 (calpain 5; plus strand). Cytogenetic location: 11q13.5.
Variant type: single nucleotide variant.
Coding change: c.145G>A on transcript NM_004055.5 (MANE Select); coding-DNA position 145, G replaced by A.
Protein change: p.Val49Ile; replaces valine 49 with isoleucine.
Molecular consequence: missense variant.
Genome position (GRCh38, 1-based): chr11:77,085,031, G>A. VCF-style: chr11-77085031-G-A. GRCh37 (hg19) VCF-style: chr11-76796077-G-A.
Other names: c.145G>A (NM_004055.4); short protein forms V49I.
Identifiers: ClinVar variation 1169357 (VCV001169357.12), dbSNP rs185836777, ClinGen allele CA6196132.